The following is an entry in ClinVar:

NM_006950.3(SYN1):c.47A>G (p.Asn16Ser)

Gene: SYN1 (synapsin I; minus strand). Cytogenetic location: Xp11.23.
Variant type: single nucleotide variant.
Coding change: c.47A>G on transcript NM_006950.3 (MANE Select); coding-DNA position 47, A replaced by G.
Protein change: p.Asn16Ser; replaces asparagine 16 with serine.
Molecular consequence: missense variant.
Genome position (GRCh38, 1-based): chrX:47,619,682, T>C on the plus strand (A>G on the coding strand, the complement: SYN1 is on the minus strand). VCF-style: chrX-47619682-T-C. GRCh37 (hg19) VCF-style: chrX-47479081-T-C.
Other names: c.47A>G, p.Asn16Ser (NM_133499.2); short protein forms N16S.
Identifiers: ClinVar variation 451411 (VCV000451411.10), dbSNP rs1289234549, ClinGen allele CA412832245.

ClinVar aggregate classification (germline): Uncertain significance. Review status: criteria provided, multiple submitters, no conflicts (2 of 4 stars). 2 submissions from 2 submitters: Uncertain significance (2). Last evaluated 2023-12-13.

Conditions:
Epilepsy, X-linked 1, with variable learning disabilities and behavior disorders. Also called: X-linked epilepsy-learning disabilities-behavior disorders syndrome. Identifiers: Orphanet 85294, MedGen C5774177, MONDO:0010339, OMIM 300491.

Allele frequency attached by ClinVar (database versions not stated): gnomAD exomes below 0.00001; TOPMed below 0.00001.
gnomAD v4.1: 4 of 1,170,220 alleles (0.00034%); highest among the groups gnomAD compares: South Asian, 0.0019%; no homozygotes.

Submissions (2):

Labcorp Genetics (formerly Invitae), Labcorp
Classification: Uncertain significance for Epilepsy, X-linked 1, with variable learning disabilities and behavior disorders. Last evaluated: 2023-12-13. Review status: criteria provided, single submitter. Criteria: Invitae Variant Classification Sherloc (09022015). Collection method: clinical testing. Allele origin: germline.
Comment: This sequence change replaces asparagine, which is neutral and polar, with serine, which is neutral and polar, at codon 16 of the SYN1 protein (p.Asn16Ser). This variant is not present in population databases (gnomAD no frequency). This variant has not been reported in the literature in individuals affected with SYN1-related conditions. ClinVar contains an entry for this variant (Variation ID: 451411). An algorithm developed to predict the effect of missense changes on protein structure and function (PolyPhen-2) suggests that this variant is likely to be disruptive. In summary, the available evidence is currently insufficient to determine the role of this variant in disease. Therefore, it has been classified as a Variant of Uncertain Significance.

GeneDx
Classification: Uncertain significance. Last evaluated: 2017-08-16. Review status: criteria provided, single submitter. Criteria: GeneDx Variant Classification (06012015). Collection method: clinical testing. Allele origin: germline. Affected: yes.
Comment: The N16S variant in the SYN1 gene has not been reported previously as a pathogenic variant, nor as a benign variant, to our knowledge. This variant is not observed in large population cohorts (Lek et al., 2016; 1000 Genomes Consortium et al., 2015; Exome Variant Server). The N16S variant is a conservative amino acid substitution, which is not likely to impact secondary protein structure as these residues share similar properties. However, this substitution occurs at a position that is conserved across species, and in silico analysis predicts this variant is probably damaging to the protein structure/function. We interpret N16S as a variant of uncertain significance.